The following is an entry in ClinVar:

NM_004415.4(DSP):c.5403A>G (p.Ser1801=)

Gene: DSP (desmoplakin; plus strand). Cytogenetic location: 6p24.3.
Variant type: single nucleotide variant.
Coding change: c.5403A>G on transcript NM_004415.4 (MANE Select); coding-DNA position 5403, A replaced by G.
Protein change: p.Ser1801=; no amino-acid change (serine 1801 retained).
Molecular consequence: synonymous variant.
Genome position (GRCh38, 1-based): chr6:7,582,665, A>G. VCF-style: chr6-7582665-A-G. GRCh37 (hg19) VCF-style: chr6-7582898-A-G.
Other names: c.4074A>G, p.Ser1358= (NM_001319034.2); c.3606A>G, p.Ser1202= (NM_001008844.3).
Identifiers: ClinVar variation 3069989 (VCV003069989.1), dbSNP rs1759476087, ClinGen allele CA448531228.

ClinVar aggregate classification (germline): Likely benign (1 of 4 stars; one submission).

Conditions:
Arrhythmogenic cardiomyopathy with wooly hair and keratoderma. Also called: Carvajal syndrome; PALMOPLANTAR KERATODERMA WITH LEFT VENTRICULAR CARDIOMYOPATHY AND WOOLLY HAIR; Dilated cardiomyopathy with woolly hair and keratoderma; Arrhythmogenic cardiomyopathy with woolly hair and keratoderma. Identifiers: Orphanet 65282, MedGen C1854063, MONDO:0011581, OMIM 605676.

Allele frequency attached by ClinVar (database versions not stated): TOPMed below 0.00001; gnomAD 0.00001.
gnomAD v4.1: 1 of 1,613,788 alleles (0.000062%); no homozygotes.

Submission:

All of Us Research Program, National Institutes of Health
Classification: Likely benign for Arrhythmogenic cardiomyopathy with wooly hair and keratoderma. Last evaluated: 2023-03-23. Review status: criteria provided, single submitter. Criteria: ACMG Guidelines, 2015. Collection method: clinical testing. Allele origin: germline. Inheritance: Autosomal dominant inheritance. Observed: 1 variant allele, 1 heterozygote.
Comment: This study involves interpretation of variants in research participants for the purpose of population health screening. Participant phenotype was not available at the time of variant classification. Additional details can be found in publication PMID: 35346344, PMCID: PMC8962531